The following is an entry in ClinVar:

NM_020919.4(ALS2):c.1425_1428del (p.Gly477fs)

Gene: ALS2 (alsin Rho guanine nucleotide exchange factor ALS2; minus strand). Cytogenetic location: 2q33.1.
Variant type: Deletion.
Coding change: c.1425_1428del on transcript NM_020919.4 (MANE Select); coding-DNA positions 1425 to 1428, 4 bases deleted (AGAG; older notation c.1425_1428delAGAG).
Protein change: p.Gly477fs; shifts the reading frame from glycine 477.
Molecular consequence: frameshift variant.
Genome position (GRCh38, 1-based): chr2:201,757,445-201,757,448, CTCT deleted on the plus strand (AGAG on the coding strand, the reverse complement: ALS2 is on the minus strand). VCF-style (leftmost placement, unchanged base first): chr2-201757444-CCTCT-C. GRCh37 (hg19) VCF-style: chr2-202622167-CCTCT-C.
Other names: short protein forms G477fs.
Identifiers: ClinVar variation 241308 (VCV000241308.8), dbSNP rs878855058, ClinGen allele CA10581911.

ClinVar aggregate classification (germline): Pathogenic (1 of 4 stars; one submission).

Conditions:
Infantile-onset ascending hereditary spastic paralysis (IAHSP). Also called: Autosomal Recessive Juvenile Amyotrophic Lateral Sclerosis; Infantile-Onset Ascending Hereditary Spastic Paralysis (IAHSP). Identifiers: Orphanet 293168, MedGen C2931441, MONDO:0011797, OMIM 607225. Disease mechanism: loss of function.

Allele frequency attached by ClinVar (database versions not stated): gnomAD exomes below 0.00001.

Submission:

Labcorp Genetics (formerly Invitae), Labcorp
Classification: Pathogenic for Infantile-onset ascending hereditary spastic paralysis. Last evaluated: 2022-10-22. Review status: criteria provided, single submitter. Criteria: Invitae Variant Classification Sherloc (09022015). Collection method: clinical testing. Allele origin: germline.
Comment: For these reasons, this variant has been classified as Pathogenic. ClinVar contains an entry for this variant (Variation ID: 241308). This premature translational stop signal has been observed in individual(s) with autosomal recessive infantile-onset ascending hereditary spastic paraplegia (PMID: 25302125). This variant is not present in population databases (gnomAD no frequency). This sequence change creates a premature translational stop signal (p.Gly477Alafs*19) in the ALS2 gene. It is expected to result in an absent or disrupted protein product. Loss-of-function variants in ALS2 are known to be pathogenic (PMID: 11586298, 24315819).

Literature cited by the submitters: PubMed 25302125; PubMed 11586298; PubMed 24315819.